The following is an entry in ClinVar:

NM_003737.4(DCHS1):c.4898A>G (p.Gln1633Arg)

Gene: DCHS1 (dachsous cadherin-related 1; minus strand). Cytogenetic location: 11p15.4.
Variant type: single nucleotide variant.
Coding change: c.4898A>G on transcript NM_003737.4 (MANE Select); coding-DNA position 4898, A replaced by G.
Protein change: p.Gln1633Arg; replaces glutamine 1633 with arginine.
Molecular consequence: missense variant.
Genome position (GRCh38, 1-based): chr11:6,629,809, T>C on the plus strand (A>G on the coding strand, the complement: DCHS1 is on the minus strand). VCF-style: chr11-6629809-T-C. GRCh37 (hg19) VCF-style: chr11-6651040-T-C.
Other names: short protein forms Q1633R.
Identifiers: ClinVar variation 1898492 (VCV001898492.5), dbSNP rs772857722, ClinGen allele CA5860236.

ClinVar aggregate classification (germline): Uncertain significance (1 of 4 stars; one submission).

Allele frequency attached by ClinVar (database versions not stated): ExAC 0.00001; gnomAD 0.00003; gnomAD exomes 0.00003; TOPMed 0.00003; 1000 Genomes Project 30x 0.00031.
gnomAD v4.1: 49 of 1,613,386 alleles (0.003%); highest among the groups gnomAD compares: Non-Finnish European, 0.0041%; no homozygotes.

Submission:

Labcorp Genetics (formerly Invitae), Labcorp
Classification: Uncertain significance. Last evaluated: 2025-10-12. Review status: criteria provided, single submitter. Criteria: Invitae Variant Classification Sherloc (09022015). Collection method: clinical testing. Allele origin: germline.
Comment: This sequence change replaces glutamine, which is neutral and polar, with arginine, which is basic and polar, at codon 1633 of the DCHS1 protein (p.Gln1633Arg). This variant is present in population databases (rs772857722, gnomAD 0.003%). This variant has not been reported in the literature in individuals affected with DCHS1-related conditions. ClinVar contains an entry for this variant (Variation ID: 1898492). Invitae Evidence Modeling of protein sequence and biophysical properties (such as structural, functional, and spatial information, amino acid conservation, physicochemical variation, residue mobility, and thermodynamic stability) indicates that this missense variant is not expected to disrupt DCHS1 protein function with a negative predictive value of 80%. In summary, the available evidence is currently insufficient to determine the role of this variant in disease. Therefore, it has been classified as a Variant of Uncertain Significance.